The following is an entry in ClinVar:

NM_024426.6(WT1):c.446C>A (p.Pro149Gln)

Genes: WT1 (WT1 transcription factor; minus strand), LOC107982234 (WT1/WT1-AS bi-directional promoter region; plus strand). Cytogenetic location: 11p13.
Variant type: single nucleotide variant.
Coding change: c.446C>A on transcript NM_024426.6 (MANE Select); coding-DNA position 446, C replaced by A.
Protein change: p.Pro149Gln; replaces proline 149 with glutamine.
Molecular consequence: missense variant. On other transcripts: non-coding transcript variant (1).
Genome position (GRCh38, 1-based): chr11:32,434,915, G>T on the plus strand (C>A on the coding strand, the complement: WT1 is on the minus strand). VCF-style: chr11-32434915-G-T. GRCh37 (hg19) VCF-style: chr11-32456461-G-T.
Other names: c.446C>A, p.Pro149Gln (NM_000378.6, NM_024424.5); short protein forms P149Q.
Identifiers: ClinVar variation 937264 (VCV000937264.10), dbSNP rs1853447771, ClinGen allele CA379965073.

ClinVar aggregate classification (germline): Uncertain significance (1 of 4 stars; one submission).

Conditions:
Drash syndrome (DDS). Also called: NEPHROPATHY, WILMS TUMOR, AND GENITAL ANOMALIES; WILMS TUMOR AND PSEUDO- OR TRUE HERMAPHRODITISM. Identifiers: Orphanet 220, MedGen C0950121, MONDO:0008682, OMIM 194080.
Wilms tumor 1 (WT1). Also called: Wilms tumor, somatic. Identifiers: Orphanet 654, MedGen CN033288, MONDO:0008679, OMIM 194070.
11p partial monosomy syndrome (WAGR). Also called: WAGR Complex; WAGR syndrome; WAGR Spectrum Disorder; CHROMOSOME 11p13 DELETION SYNDROME. Identifiers: Orphanet 893, MedGen C0206115, MONDO:0008681, OMIM 194072.
Frasier syndrome. Identifiers: Orphanet 347, MedGen C0950122, MeSH D052159, MONDO:0007635, OMIM 136680.

Submission:

Labcorp Genetics (formerly Invitae), Labcorp
Classification: Uncertain significance for Wilms tumor 1; Drash syndrome; 11p partial monosomy syndrome; Frasier syndrome. Last evaluated: 2019-10-12. Review status: criteria provided, single submitter. Criteria: Invitae Variant Classification Sherloc (09022015). Collection method: clinical testing. Allele origin: germline.
Comment: This sequence change replaces proline with glutamine at codon 144 of the WT1 protein (p.Pro144Gln). The proline residue is highly conserved and there is a moderate physicochemical difference between proline and glutamine. This variant is not present in population databases (ExAC no frequency). This variant has not been reported in the literature in individuals with WT1-related conditions. Algorithms developed to predict the effect of missense changes on protein structure and function (SIFT, PolyPhen-2, Align-GVGD) all suggest that this variant is likely to be disruptive, but these predictions have not been confirmed by published functional studies and their clinical significance is uncertain. In summary, the available evidence is currently insufficient to determine the role of this variant in disease. Therefore, it has been classified as a Variant of Uncertain Significance.